The following is an entry in ClinVar:

NM_000233.4(LHCGR):c.1202T>C (p.Leu401Pro)

Genes: LHCGR (luteinizing hormone/choriogonadotropin receptor; minus strand), STON1-GTF2A1L (STON1-GTF2A1L readthrough; plus strand). Cytogenetic location: 2p16.3.
Variant type: single nucleotide variant.
Coding change: c.1202T>C on transcript NM_000233.4 (MANE Select); coding-DNA position 1202, T replaced by C.
Protein change: p.Leu401Pro; replaces leucine 401 with proline.
Molecular consequence: missense variant. On other transcripts: intron variant (1).
Genome position (GRCh38, 1-based): chr2:48,688,595, A>G on the plus strand (T>C on the coding strand, the complement: LHCGR is on the minus strand). VCF-style: chr2-48688595-A-G. GRCh37 (hg19) VCF-style: chr2-48915734-A-G.
Other names: c.3441+16915A>G (NM_001198593.2); short protein forms L401P.
Identifiers: ClinVar variation 2899615 (VCV002899615.3), dbSNP rs1463882026, ClinGen allele CA346748742.
Genomic context (GRCh38, chr2:48,688,595, plus strand): 5'-TGGGAATCAACTGAGGCTATGAGCAGCAGATAGAGCCCCATGCAAAAGTCTGCAAAGGAG[A>G]GATTGCACATGAGAAAACGAGGCACTGTAAGTTTGTAACGACTTGTCAGGAGAACAAAAA-3'
Protein context (NP_000224.2, residues 391-411): LTVPRFLMCN[Leu401Pro]SFADFCMGLY

ClinVar aggregate classification (germline): Uncertain significance (1 of 4 stars; one submission).

Allele frequency attached by ClinVar (database versions not stated): gnomAD 0.00001; gnomAD exomes 0.00001.
gnomAD v4.1: 17 of 1,614,054 alleles (0.0011%); highest among the groups gnomAD compares: Non-Finnish European, 0.0014%; no homozygotes.

Submission:

Labcorp Genetics (formerly Invitae), Labcorp
Classification: Uncertain significance. Last evaluated: 2023-04-30. Review status: criteria provided, single submitter. Criteria: Invitae Variant Classification Sherloc (09022015). Collection method: clinical testing. Allele origin: germline.
Comment: In summary, the available evidence is currently insufficient to determine the role of this variant in disease. Therefore, it has been classified as a Variant of Uncertain Significance. Algorithms developed to predict the effect of sequence changes on RNA splicing suggest that this variant may disrupt the consensus splice site. Advanced modeling of protein sequence and biophysical properties (such as structural, functional, and spatial information, amino acid conservation, physicochemical variation, residue mobility, and thermodynamic stability) performed at Invitae indicates that this missense variant is expected to disrupt LHCGR protein function. This variant has not been reported in the literature in individuals affected with LHCGR-related conditions. This variant is present in population databases (no rsID available, gnomAD 0.0009%). This sequence change replaces leucine, which is neutral and non-polar, with proline, which is neutral and non-polar, at codon 401 of the LHCGR protein (p.Leu401Pro).